The following is an entry in ClinVar:

ClinVar aggregate classification (germline): Uncertain significance (1 of 4 stars; one submission).

Conditions:
Cardiovascular phenotype. Identifiers: MedGen CN230736.

Submission:

Ambry Genetics
Classification: Uncertain significance for Cardiovascular phenotype. Last evaluated: 2020-01-06. Review status: criteria provided, single submitter. Criteria: Ambry Variant Classification Scheme 2023. Collection method: clinical testing. Allele origin: germline.
Comment: The p.S576N variant (also known as c.1727G>A), located in coding exon 13 of the LAMA4 gene, results from a G to A substitution at nucleotide position 1727. The serine at codon 576 is replaced by asparagine, an amino acid with highly similar properties. This amino acid position is not well conserved in available vertebrate species, and asparagine is the reference amino acid in other vertebrate species. In addition, this alteration is predicted to be tolerated by in silico analysis. Since supporting evidence is limited at this time, the clinical significance of this alteration remains unclear.

NM_001105206.3(LAMA4):c.1748G>A (p.Ser583Asn)

Gene: LAMA4 (laminin subunit alpha 4; minus strand). Cytogenetic location: 6q21.
Variant type: single nucleotide variant.
Coding change: c.1748G>A on transcript NM_001105206.3 (MANE Select); coding-DNA position 1748, G replaced by A.
Protein change: p.Ser583Asn; replaces serine 583 with asparagine.
Molecular consequence: missense variant.
Genome position (GRCh38, 1-based): chr6:112,158,801, C>T on the plus strand (G>A on the coding strand, the complement: LAMA4 is on the minus strand). VCF-style: chr6-112158801-C-T. GRCh37 (hg19) VCF-style: chr6-112480003-C-T.
Other names: c.1727G>A, p.Ser576Asn (NM_001105207.3, NM_002290.5); short protein forms S576N, S583N.
Identifiers: ClinVar variation 1778881 (VCV001778881.2), dbSNP rs2547074055, ClinGen allele CA365365641.